The following is an entry in ClinVar:

NM_001023570.4(IQCB1):c.1522_1523dup (p.Ala509fs)

Gene: IQCB1 (IQ motif containing B1; minus strand). Cytogenetic location: 3q13.33.
Variant type: Microsatellite.
Coding change: c.1522_1523dup on transcript NM_001023570.4 (MANE Select); coding-DNA positions 1522 to 1523, 2 bases duplicated (GA; older notation c.1522_1523dupGA).
Protein change: p.Ala509fs; shifts the reading frame from alanine 509.
Molecular consequence: frameshift variant. On other transcripts: non-coding transcript variant (1).
Genome position (GRCh38, 1-based): chr3:121,772,601-121,772,602, TC duplicated on the plus strand (GA on the coding strand, the reverse complement: IQCB1 is on the minus strand); duplicating any 2 consecutive bases within chr3:121,772,601-121,772,605 gives the same sequence; the c. name uses the placement nearest the transcript's 3' end. VCF-style (leftmost placement, unchanged base first): chr3-121772600-T-TTC. GRCh37 (hg19) VCF-style: chr3-121491447-T-TTC.
Other names: c.1123_1124dup, p.Ala376fs (NM_001023571.4); c.1522_1523dup, p.Ala509fs (NM_001319107.2); short protein forms A509fs, A376fs.
Identifiers: ClinVar variation 156379 (VCV000156379.10), dbSNP rs587783011, ClinGen allele CA170856.

ClinVar aggregate classification (germline): Pathogenic/Likely pathogenic. Review status: criteria provided, multiple submitters, no conflicts (2 of 4 stars). 4 submissions from 4 submitters: Pathogenic (1); Likely pathogenic (2). 1 of the submissions does not count toward it. Last evaluated 2024-06-10.

Conditions:
Nephronophthisis. Also called: Juvenile Nephronophthisis. Identifiers: Orphanet 655, MedGen C0687120, MONDO:0019005, HP:0000090.
Senior-Loken syndrome 5 (SLSN5). Identifiers: Orphanet 3156, MedGen C1836517, MONDO:0012225, OMIM 609254.

Submissions (4):

Fulgent Genetics
Classification: Likely pathogenic for Senior-Loken syndrome 5. Last evaluated: 2024-06-10. Review status: criteria provided, single submitter. Criteria: ACMG Guidelines, 2015. Collection method: clinical testing. Allele origin: germline.

Baylor Genetics
Classification: Pathogenic for Senior-Loken syndrome 5. Last evaluated: 2024-03-16. Review status: criteria provided, single submitter. Criteria: ACMG Guidelines, 2015. Collection method: clinical testing. Allele origin: unknown.

Labcorp Genetics (formerly Invitae), Labcorp
Classification: Likely pathogenic for Nephronophthisis. Last evaluated: 2020-07-08. Review status: criteria provided, single submitter. Criteria: Invitae Variant Classification Sherloc (09022015). Collection method: clinical testing. Allele origin: germline.
Comment: In summary, the currently available evidence indicates that the variant is pathogenic, but additional data are needed to prove that conclusively. Therefore, this variant has been classified as Likely Pathogenic. This variant disrupts the C-terminus of the IQCB1 protein. Other variant(s) that disrupt this region (Gln520*, p.Gln512*, p.Gln513*) have been observed in individuals with IQCB1-related conditions (PMID: 20881296, 26766544). This suggests that this may be a clinically significant region of the protein. Experimental studies and prediction algorithms are not available or were not evaluated, and the functional significance of this variant is currently unknown. This variant has been observed in individual(s) with QCB1-related conditions (PMID: 25445212, 27491411). This variant is also known as c.1523_1524insGA in the literature. ClinVar contains an entry for this variant (Variation ID: 156379). This variant is present in population databases (rs587783011, ExAC 0.01%). This sequence change results in a premature translational stop signal in the IQCB1 gene (p.Ala509Lysfs*3). While this is not anticipated to result in nonsense mediated decay, it is expected to disrupt the last 90 amino acids of the IQCB1 protein.

Molecular Diagnostics Laboratory, Seoul National University Hospital
Classification: Pathogenic for Senior-Loken syndrome 5. Last evaluated: 2014-09-18. Review status: no assertion criteria provided. Collection method: clinical testing. Allele origin: unknown. Affected: yes. Observed: 1 homozygote. Not counted in ClinVar's aggregate classification.

Literature cited by the submitters: PubMed 20881296 (cited by Labcorp Genetics (formerly Invitae), Labcorp); PubMed 26766544 (cited by Labcorp Genetics (formerly Invitae), Labcorp); PubMed 25445212 (cited by Labcorp Genetics (formerly Invitae), Labcorp); PubMed 27491411 (cited by Labcorp Genetics (formerly Invitae), Labcorp).